The following is an entry in ClinVar:

NM_001267550.2(TTN):c.2640_2656del (p.Gln880fs)

Gene: TTN (titin; minus strand). Cytogenetic location: 2q31.2.
Variant type: Deletion.
Coding change: c.2640_2656del on transcript NM_001267550.2 (MANE Select); coding-DNA positions 2640 to 2656, 17 bases deleted (GTTCCCCTTCGCTGACA).
Protein change: p.Gln880fs; shifts the reading frame from glutamine 880.
Molecular consequence: frameshift variant.
Genome position (GRCh38, 1-based): chr2:178,784,189-178,784,205, TGTCAGCGAAGGGGAAC deleted on the plus strand (GTTCCCCTTCGCTGACA on the coding strand, the reverse complement: TTN is on the minus strand); deleting any 17 consecutive bases within chr2:178,784,189-178,784,208 gives the same sequence; the c. name uses the placement nearest the transcript's 3' end. VCF-style (leftmost placement, unchanged base first): chr2-178784188-GTGTCAGCGAAGGGGAAC-G. GRCh37 (hg19) VCF-style: chr2-179648915-GTGTCAGCGAAGGGGAAC-G.
Other names: c.2640_2656del, p.Gln880fs (NM_001256850.1, NM_133378.4, NM_133379.5); c.2502_2518del, p.Gln834fs (NM_003319.4, NM_133432.3, NM_133437.4); short protein forms Q834fs, Q880fs.
Identifiers: ClinVar variation 2078317 (VCV002078317.4), dbSNP rs2533456124, ClinGen allele CA2580065167.

ClinVar aggregate classification (germline): Likely pathogenic (1 of 4 stars; one submission).

Conditions:
Dilated cardiomyopathy 1G (CMD1G). Identifiers: Orphanet 154, MedGen C1858763, MONDO:0011400, OMIM 604145.
Autosomal recessive limb-girdle muscular dystrophy type 2J (LGMDR10). Also called: Limb-girdle muscular dystrophy, type 2J; MUSCULAR DYSTROPHY, LIMB-GIRDLE, AUTOSOMAL RECESSIVE 10. Identifiers: Orphanet 140922, MedGen C1837342, MONDO:0012127, OMIM 608807.

Submission:

Labcorp Genetics (formerly Invitae), Labcorp
Classification: Likely pathogenic for Dilated cardiomyopathy 1G; Autosomal recessive limb-girdle muscular dystrophy type 2J. Last evaluated: 2024-10-18. Review status: criteria provided, single submitter. Criteria: Invitae Variant Classification Sherloc (09022015). Collection method: clinical testing. Allele origin: germline.
Comment: This sequence change creates a premature translational stop signal (p.Gln880Hisfs*8) in the TTN gene. While this is not anticipated to result in nonsense mediated decay, it is expected to create a truncated TTN protein. This variant is not present in population databases (gnomAD no frequency). This variant has not been reported in the literature in individuals affected with TTN-related conditions. ClinVar contains an entry for this variant (Variation ID: 2078317). This variant is located in the Z band of TTN (PMID: 25589632). Truncating variants in this region have been reported in individuals affected with autosomal recessive centronuclear myopathy (PMID: 33449170, internal data). Truncating variants in this region have also been identified in individuals affected with autosomal dominant dilated cardiomyopathy and/or cardio-related conditions (PMID: 27869827, 32964742, internal data). In summary, the currently available evidence indicates that the variant is pathogenic, but additional data are needed to prove that conclusively. Therefore, this variant has been classified as Likely Pathogenic.

Literature cited by the submitters: PubMed 25589632; PubMed 33449170; PubMed 27869827; PubMed 32964742.